The following is an entry in ClinVar:

ClinVar aggregate classification (germline): Uncertain significance (1 of 4 stars; one submission).

gnomAD v4.1: 1 of 1,614,216 alleles (0.000062%); highest among the groups gnomAD compares: Non-Finnish European, 0.000085%; no homozygotes.

Submission:

Labcorp Genetics (formerly Invitae), Labcorp
Classification: Uncertain significance. Last evaluated: 2022-10-13. Review status: criteria provided, single submitter. Criteria: Invitae Variant Classification Sherloc (09022015). Collection method: clinical testing. Allele origin: germline.
Comment: In summary, the available evidence is currently insufficient to determine the role of this variant in disease. Therefore, it has been classified as a Variant of Uncertain Significance. Advanced modeling of protein sequence and biophysical properties (such as structural, functional, and spatial information, amino acid conservation, physicochemical variation, residue mobility, and thermodynamic stability) performed at Invitae indicates that this missense variant is not expected to disrupt PNPT1 protein function. This variant has not been reported in the literature in individuals affected with PNPT1-related conditions. This variant is not present in population databases (gnomAD no frequency). This sequence change replaces aspartic acid, which is acidic and polar, with asparagine, which is neutral and polar, at codon 27 of the PNPT1 protein (p.Asp27Asn).

NM_033109.5(PNPT1):c.79G>A (p.Asp27Asn)

Genes: PNPT1 (polyribonucleotide nucleotidyltransferase 1; minus strand), LOC129933770 (ATAC-STARR-seq lymphoblastoid active region 15785; plus strand). Cytogenetic location: 2p16.1.
Variant type: single nucleotide variant.
Coding change: c.79G>A on transcript NM_033109.5 (MANE Select); coding-DNA position 79, G replaced by A.
Protein change: p.Asp27Asn; replaces aspartic acid 27 with asparagine.
Molecular consequence: missense variant.
Genome position (GRCh38, 1-based): chr2:55,693,745, C>T on the plus strand (G>A on the coding strand, the complement: PNPT1 is on the minus strand). VCF-style: chr2-55693745-C-T. GRCh37 (hg19) VCF-style: chr2-55920880-C-T.
Other names: short protein forms D27N.
Identifiers: ClinVar variation 2097344 (VCV002097344.4), dbSNP rs2529646226, ClinGen allele CA346946334.
Genomic context (GRCh38, chr2:55,693,745, plus strand): 5'-CAGCTCGAGACCCTGCGCTACTCCATAGTGCTCGCACTTGCAACTGGGTGAGTGCCCGAT[C>T]CCGCCGTGGCAGAAGGAAAGGACCATCGCTCAGGGGCCGGAGCCGGAGGCACGAGCAGCA-3'
Protein context (NP_149100.2, residues 17-37): SDGPFLLPRR[Asp27Asn]RALTQLQVRA